The following is an entry in ClinVar:

ClinVar aggregate classification (germline): Uncertain significance (1 of 4 stars; one submission).

Allele frequency attached by ClinVar (database versions not stated): gnomAD 0.00001; TOPMed 0.00001; gnomAD exomes 0.00002.
gnomAD v4.1: 28 of 1,603,222 alleles (0.0017%); highest among the groups gnomAD compares: Non-Finnish European, 0.0023%; no homozygotes.

Submission:

Labcorp Genetics (formerly Invitae), Labcorp
Classification: Uncertain significance. Last evaluated: 2023-12-15. Review status: criteria provided, single submitter. Criteria: Invitae Variant Classification Sherloc (09022015). Collection method: clinical testing. Allele origin: germline.
Comment: This sequence change replaces glutamic acid, which is acidic and polar, with lysine, which is basic and polar, at codon 573 of the IL12RB2 protein (p.Glu573Lys). This variant also falls at the last nucleotide of exon 12, which is part of the consensus splice site for this exon. This variant is present in population databases (rs776417650, gnomAD 0.002%). This variant has not been reported in the literature in individuals affected with IL12RB2-related conditions. An algorithm developed to predict the effect of missense changes on protein structure and function (PolyPhen-2) suggests that this variant is likely to be disruptive. Variants that disrupt the consensus splice site are a relatively common cause of aberrant splicing (PMID: 17576681, 9536098). In summary, the available evidence is currently insufficient to determine the role of this variant in disease. Therefore, it has been classified as a Variant of Uncertain Significance.

Literature cited by the submitters: PubMed 17576681; PubMed 9536098.

NM_001374259.2(IL12RB2):c.1717G>A (p.Glu573Lys)

Gene: IL12RB2 (interleukin 12 receptor subunit beta 2; plus strand). Cytogenetic location: 1p31.3.
Variant type: single nucleotide variant.
Coding change: c.1717G>A on transcript NM_001374259.2 (MANE Select); coding-DNA position 1717, G replaced by A.
Protein change: p.Glu573Lys; replaces glutamic acid 573 with lysine.
Molecular consequence: missense variant. On other transcripts: non-coding transcript variant (1), intron variant (1).
Genome position (GRCh38, 1-based): chr1:67,372,783, G>A. VCF-style: chr1-67372783-G-A. GRCh37 (hg19) VCF-style: chr1-67838466-G-A.
Other names: c.1717G>A, p.Glu573Lys (NM_001258214.1, NM_001258216.1, NM_001319233.1 and 1 more transcripts); c.1459+4758G>A (NM_001258215.1); short protein forms E573K.
Identifiers: ClinVar variation 2888913 (VCV002888913.3), dbSNP rs776417650, ClinGen allele CA23483519.